The following is an entry in ClinVar:

NM_001110556.2(FLNA):c.7468A>G (p.Met2490Val)

Gene: FLNA (filamin A; minus strand). Cytogenetic location: Xq28.
Variant type: single nucleotide variant.
Coding change: c.7468A>G on transcript NM_001110556.2 (MANE Select); coding-DNA position 7468, A replaced by G.
Protein change: p.Met2490Val; replaces methionine 2490 with valine.
Molecular consequence: missense variant.
Genome position (GRCh38, 1-based): chrX:154,349,733, T>C on the plus strand (A>G on the coding strand, the complement: FLNA is on the minus strand). VCF-style: chrX-154349733-T-C. GRCh37 (hg19) VCF-style: chrX-153578101-T-C.
Other names: c.7444A>G, p.Met2482Val (NM_001456.4); short protein forms M2482V, M2490V.
Identifiers: ClinVar variation 859209 (VCV000859209.12), dbSNP rs782563616, ClinGen allele CA10559887.

ClinVar aggregate classification (germline): Conflicting classifications of pathogenicity. Review status: criteria provided, conflicting classifications (1 of 4 stars). 3 submissions from 3 submitters: Uncertain significance (2); Benign (1). Last evaluated 2025-12-26.

Conditions:
Frontometaphyseal dysplasia (FMD1). Identifiers: Orphanet 1826, MedGen C0265293, MONDO:0015942.
Oto-palato-digital syndrome, type II (OPD2). Also called: FACIOPALATOOSSEOUS SYNDROME; OPD II SYNDROME; Otopalatodigital Syndrome, Type II; Otopalatodigital Syndrome Type 2 (FLNA-OPD2). Identifiers: Orphanet 669, Orphanet 90652, MedGen C1844696, MONDO:0010571, OMIM 304120.
Heterotopia, periventricular, X-linked dominant (PVNH1). Also called: PERIVENTRICULAR NODULAR HETEROTOPIA 1; X-linked periventricular heterotopia; PERIVENTRICULAR NODULAR HETEROTOPIA 4; HETEROTOPIA, PERIVENTRICULAR, 1. Identifiers: Orphanet 2149, Orphanet 82004, MedGen C1848213, MONDO:0010233, OMIM 300049.
Melnick-Needles syndrome (MNS). Also called: MELNICK-NEEDLES OSTEODYSPLASTY; OSTEODYSPLASTY OF MELNICK AND NEEDLES; Melnick-Needles Syndrome (FLNA-MNS). Identifiers: Orphanet 2484, MedGen C0025237, MONDO:0010650, OMIM 309350.
Familial thoracic aortic aneurysm and aortic dissection (TAAD). Also called: Thoracic aortic aneurysms and dissections. Identifiers: Orphanet 91387, MedGen C4707243, MONDO:0019625.

Allele frequency attached by ClinVar (database versions not stated): gnomAD 0.00001; gnomAD exomes 0.00001 and 0.00002; TOPMed 0.00001; ExAC 0.00002.
gnomAD v4.1: 12 of 1,210,330 alleles (0.00099%); highest among the groups gnomAD compares: Middle Eastern, 0.046%; no homozygotes.

Submissions (3):

Ambry Genetics
Classification: Uncertain significance for Familial thoracic aortic aneurysm and aortic dissection. Last evaluated: 2025-12-26. Review status: criteria provided, single submitter. Criteria: Ambry Variant Classification Scheme 2023. Collection method: clinical testing. Allele origin: germline.
Comment: The p.M2482V variant (also known as c.7444A>G), located in coding exon 44 of the FLNA gene, results from an A to G substitution at nucleotide position 7444. The methionine at codon 2482 is replaced by valine, an amino acid with highly similar properties. This amino acid position is conserved. In addition, this alteration is predicted to be deleterious by in silico analysis. Based on the available evidence, the clinical significance of this variant remains unclear.

Labcorp Genetics (formerly Invitae), Labcorp
Classification: Benign for Oto-palato-digital syndrome, type II; Heterotopia, periventricular, X-linked dominant; Frontometaphyseal dysplasia; Melnick-Needles syndrome. Last evaluated: 2025-10-02. Review status: criteria provided, single submitter. Criteria: Invitae Variant Classification Sherloc (09022015). Collection method: clinical testing. Allele origin: germline.

GeneDx
Classification: Uncertain significance. Last evaluated: 2019-09-09. Review status: criteria provided, single submitter. Criteria: GeneDx Variant Classification Process June 2021. Collection method: clinical testing. Allele origin: germline. Affected: yes.
Comment: Has not been previously published as pathogenic or benign to our knowledge; In silico analysis, which includes protein predictors and evolutionary conservation, supports a deleterious effect